The following is an entry in ClinVar:

ClinVar aggregate classification (germline): Conflicting classifications of pathogenicity. Review status: criteria provided, conflicting classifications (1 of 4 stars). 5 submissions from 5 submitters: Uncertain significance (4); Likely benign (1). Last evaluated 2024-02-11.

Conditions:
Hereditary cancer-predisposing syndrome. Also called: Tumor predisposition; Neoplastic Syndromes, Hereditary; Hereditary neoplastic syndrome; Hereditary Cancer Syndrome. Identifiers: Orphanet 140162, MedGen C0027672, MeSH D009386, MONDO:0015356.
Hereditary breast ovarian cancer syndrome. Also called: Breast and ovarian cancer; BRCA1- and BRCA2-Associated Hereditary Breast and Ovarian Cancer; Hereditary breast and ovarian cancer syndrome (HBOC); Hereditary breast and ovarian cancer; Hereditary breast and/or ovarian cancer syndrome; Hereditary breast and ovarian cancer syndrome. Identifiers: Orphanet 145, MedGen C0677776, MeSH D061325, MONDO:0003582. Disease mechanism: loss of function.

Submissions (5):

Labcorp Genetics (formerly Invitae), Labcorp
Classification: Uncertain significance for Hereditary breast ovarian cancer syndrome. Last evaluated: 2024-02-11. Review status: criteria provided, single submitter. Criteria: Invitae Variant Classification Sherloc (09022015). Collection method: clinical testing. Allele origin: germline.
Comment: This sequence change replaces glycine, which is neutral and non-polar, with valine, which is neutral and non-polar, at codon 828 of the BRCA1 protein (p.Gly828Val). This variant is not present in population databases (gnomAD no frequency). This variant has not been reported in the literature in individuals affected with BRCA1-related conditions. ClinVar contains an entry for this variant (Variation ID: 496358). Advanced modeling of protein sequence and biophysical properties (such as structural, functional, and spatial information, amino acid conservation, physicochemical variation, residue mobility, and thermodynamic stability) performed at Invitae indicates that this missense variant is not expected to disrupt BRCA1 protein function with a negative predictive value of 95%. In summary, the available evidence is currently insufficient to determine the role of this variant in disease. Therefore, it has been classified as a Variant of Uncertain Significance.

Ambry Genetics
Classification: Uncertain significance for Hereditary cancer-predisposing syndrome. Last evaluated: 2023-07-25. Review status: criteria provided, single submitter. Criteria: Ambry Variant Classification Scheme 2023. Collection method: clinical testing. Allele origin: germline.
Comment: The p.G828V variant (also known as c.2483G>T), located in coding exon 9 of the BRCA1 gene, results from a G to T substitution at nucleotide position 2483. The glycine at codon 828 is replaced by valine, an amino acid with dissimilar properties. This amino acid position is not well conserved in available vertebrate species. In addition, the in silico prediction for this alteration is inconclusive. Since supporting evidence is limited at this time, the clinical significance of this alteration remains unclear.

University of Washington Department of Laboratory Medicine, University of Washington
Classification: Likely benign for Hereditary cancer-predisposing syndrome. Last evaluated: 2023-03-23. Review status: criteria provided, single submitter. Criteria: Dines et al. (Genet Med. 2020). Collection method: curation. Allele origin: germline.
Comment: Missense variant in a coldspot region where missense variants are very unlikely to be pathogenic (PMID:31911673).

BRCA1 coldspot (exon 11 using historical exon numbering). Reclassification based on statistical prior probability

Color Diagnostics, LLC DBA Color Health
Classification: Uncertain significance for Hereditary cancer-predisposing syndrome. Last evaluated: 2020-12-07. Review status: criteria provided, single submitter. Criteria: ACMG Guidelines, 2015. Collection method: clinical testing. Allele origin: germline.
Comment: This missense variant replaces glycine with valine at codon 828 of the BRCA1 protein. Computational prediction suggests that this variant may not impact protein structure and function (internally defined REVEL score threshold <= 0.5, PMID: 27666373). To our knowledge, functional studies have not been reported for this variant. This variant has not been reported in individuals affected with hereditary cancer in the literature. This variant has not been identified in the general population by the Genome Aggregation Database (gnomAD). The available evidence is insufficient to determine the role of this variant in disease conclusively. Therefore, this variant is classified as a Variant of Uncertain Significance.

Women's Health and Genetics/Laboratory Corporation of America, LabCorp
Classification: Uncertain significance. Last evaluated: 2016-01-14. Review status: criteria provided, single submitter. Criteria: LabCorp Variant Classification Summary - May 2015. Collection method: clinical testing. Allele origin: germline.
Comment: Variant summary: The c.2483G>T variant affects a non-conserved nucleotide, resulting in amino acid change from Gly to Val. 3/5 in-silico tools predict this variant to be damaging. This variant is not found in 121368 control chromosomes. The variant of interest has not, to our knowledge, been reported in affected individuals via publications and/or reputable databases/clinical laboratories; nor evaluated for functional impact by in vivo/vitro studies. Because of the absence of clinical information and the lack of functional studies, the variant was classified as a variant of uncertain significance (VUS) until additional information becomes available.

NM_007294.4(BRCA1):c.2483G>T (p.Gly828Val)

Gene: BRCA1 (BRCA1 DNA repair associated; minus strand). Cytogenetic location: 17q21.31.
Variant type: single nucleotide variant.
Coding change: c.2483G>T on transcript NM_007294.4 (MANE Select); coding-DNA position 2483, G replaced by T.
Protein change: p.Gly828Val; replaces glycine 828 with valine.
Molecular consequence: missense variant. On other transcripts: intron variant (137).
Genome position (GRCh38, 1-based): chr17:43,093,048, C>A on the plus strand (G>T on the coding strand, the complement: BRCA1 is on the minus strand). VCF-style: chr17-43093048-C-A. GRCh37 (hg19) VCF-style: chr17-41245065-C-A.
Other names: c.2342G>T, p.Gly781Val (NM_001407732.1, NM_001407733.1, NM_001407734.1 and 29 more transcripts); c.2339G>T, p.Gly780Val (NM_001407740.1, NM_001407741.1, NM_001407742.1 and 20 more transcripts); c.2270G>T, p.Gly757Val (NM_001407853.1, NM_001407894.1, NM_001407895.1 and 9 more transcripts); c.2483G>T, p.Gly828Val (NM_001407854.1, NM_001407858.1, NM_001407859.1 and 30 more transcripts); c.2480G>T, p.Gly827Val (NM_001407860.1, NM_001407861.1, NM_001407587.1 and 22 more transcripts); c.2282G>T, p.Gly761Val (NM_001407862.1); c.2360G>T, p.Gly787Val (NM_001407863.1, NM_001407919.1, NM_001407937.1 and 19 more transcripts); c.2279G>T, p.Gly760Val (NM_001407874.1, NM_001407875.1); and 41 more; short protein forms G828V, G781V, G660V, G757V, G758V, G801V, G532V, G716V.
Identifiers: ClinVar variation 496358 (VCV000496358.13), dbSNP rs1555589578, ClinGen allele CA10597035.